The following is an entry in ClinVar:

NM_000455.5(STK11):c.200T>C (p.Leu67Pro)

Gene: STK11 (serine/threonine kinase 11; plus strand). Cytogenetic location: 19p13.3.
Variant type: single nucleotide variant.
Coding change: c.200T>C on transcript NM_000455.5 (MANE Select); coding-DNA position 200, T replaced by C.
Protein change: p.Leu67Pro; replaces leucine 67 with proline.
Molecular consequence: missense variant.
Genome position (GRCh38, 1-based): chr19:1,207,113, T>C. VCF-style: chr19-1207113-T-C. GRCh37 (hg19) VCF-style: chr19-1207112-T-C.
Other names: short protein forms L67P.
Identifiers: ClinVar variation 7445 (VCV000007445.23), dbSNP rs137853077, ClinGen allele CA022714.

ClinVar aggregate classification (germline): Pathogenic/Likely pathogenic. Review status: criteria provided, multiple submitters, no conflicts (2 of 4 stars). 7 submissions from 7 submitters: Pathogenic (1); Likely pathogenic (4). 2 of the submissions do not count toward it. Last evaluated 2025-05-01.

Conditions:
Hereditary cancer-predisposing syndrome. Also called: Tumor predisposition; Hereditary neoplastic syndrome; Hereditary Cancer Syndrome; Neoplastic Syndromes, Hereditary. Identifiers: Orphanet 140162, MedGen C0027672, MeSH D009386, MONDO:0015356.
Peutz-Jeghers syndrome (PJS). Also called: Peutz-Jeghers polyposis; Periorificial lentiginosis syndrome; POLYPOSIS, HAMARTOMATOUS INTESTINAL; POLYPS-AND-SPOTS SYNDROME. Identifiers: Orphanet 2869, MedGen C0031269, MeSH D010580, MONDO:0008280, OMIM 175200.

Submissions (7):

Ambry Genetics
Classification: Likely pathogenic for Hereditary cancer-predisposing syndrome. Last evaluated: 2025-05-01. Review status: criteria provided, single submitter. Criteria: Ambry Variant Classification Scheme 2023. Collection method: clinical testing. Allele origin: germline.
Comment: The c.200T>C (p.L67P) alteration is located in exon 1 (coding exon 1) of the STK11 gene. This alteration results from a T to C substitution at nucleotide position 200, causing the leucine (L) at amino acid position 67 to be replaced by a proline (P). This variant was not reported in population-based cohorts in the Genome Aggregation Database (gnomAD). This variant was reported in multiple unrelated individuals meeting diagnostic criteria for Peutz-Jeghers syndrome (Hemminki, 1998; Hearle, 2006; Ambry internal data). This amino acid position is highly conserved in available vertebrate species. This alteration is predicted to be deleterious by in silico analysis. Based on the available evidence, this alteration is classified as likely pathogenic.

GeneDx
Classification: Pathogenic. Last evaluated: 2023-03-03. Review status: criteria provided, single submitter. Criteria: GeneDx Variant Classification Process June 2021. Collection method: clinical testing. Allele origin: germline. Affected: yes.
Comment: Published functional studies demonstrate a damaging effect: disrupted autophosphorylation of STK11 and absent kinase activity (Mehenni et al., 1998; Nezu et al., 1999; Ylikorkala et al., 1999); Not observed at significant frequency in large population cohorts (gnomAD); In silico analysis supports that this missense variant has a deleterious effect on protein structure/function; This variant is associated with the following publications: (PMID: 16707622, 9428765, 11389158, 15121768, 29447078, 15863673, 15987703, 9887330, 10441497, 9837816)

Genome-Nilou Lab
Classification: Likely pathogenic for Peutz-Jeghers syndrome. Last evaluated: 2021-07-15. Review status: criteria provided, single submitter. Criteria: ACMG Guidelines, 2015. Collection method: clinical testing. Allele origin: germline. Affected: no.

Labcorp Genetics (formerly Invitae), Labcorp
Classification: Likely pathogenic for Peutz-Jeghers syndrome. Last evaluated: 2020-01-14. Review status: criteria provided, single submitter. Criteria: Invitae Variant Classification Sherloc (09022015). Collection method: clinical testing. Allele origin: germline.
Comment: This variant disrupts the p.Leu67 amino acid residue in STK11. Other variant(s) that disrupt this residue have been observed in individuals with STK11-related conditions (PMID: 11389158), which suggests that this may be a clinically significant amino acid residue. In summary, the currently available evidence indicates that the variant is pathogenic, but additional data are needed to prove that conclusively. Therefore, this variant has been classified as Likely Pathogenic. This variant has been reported to affect STK11 protein function (PMID: 9837816, 10441497, 9887330, 15987703). This variant has been observed in individuals with clinical features of Peutz-Jeghers syndrome (PMID: 9428765, 15121768). ClinVar contains an entry for this variant (Variation ID: 7445). This variant is not present in population databases (ExAC no frequency). This sequence change replaces leucine with proline at codon 67 of the STK11 protein (p.Leu67Pro). The leucine residue is highly conserved and there is a moderate physicochemical difference between leucine and proline.

Quest Diagnostics Nichols Institute San Juan Capistrano
Classification: Likely pathogenic. Last evaluated: 2019-08-20. Review status: criteria provided, single submitter. Criteria: Quest Diagnostics criteria. Collection method: clinical testing. Allele origin: germline.
Comment: Not found in the total gnomAD dataset, and the data is high quality (0/272834 chr). Found in at least one symptomatic patient. Predicted to have a damaging effect on the protein. Assessment of experimental evidence suggests this variant results in abnormal protein function.

Counsyl
Classification: Likely pathogenic for Peutz-Jeghers syndrome. Last evaluated: 2016-05-25. Review status: no assertion criteria provided. Collection method: clinical testing. Allele origin: unknown. Not counted in ClinVar's aggregate classification.

OMIM
Classification: Pathogenic for PEUTZ-JEGHERS SYNDROME. Last evaluated: 1998-01-08. Review status: no assertion criteria provided. Collection method: literature only. Allele origin: germline. Not counted in ClinVar's aggregate classification.

Literature cited by the submitters: PubMed 9428765 (cited by 5 submitters); PubMed 16707622 (cited by Ambry Genetics and Quest Diagnostics Nichols Institute San Juan Capistrano); PubMed 11389158 (cited by Labcorp Genetics (formerly Invitae), Labcorp); PubMed 9837816 (cited by Labcorp Genetics (formerly Invitae), Labcorp and Quest Diagnostics Nichols Institute San Juan Capistrano); PubMed 10441497 (cited by Labcorp Genetics (formerly Invitae), Labcorp); PubMed 9887330 (cited by 3 submitters); PubMed 15987703 (cited by Labcorp Genetics (formerly Invitae), Labcorp and Counsyl); PubMed 15121768 (cited by 3 submitters).